The following is an entry in ClinVar:

ClinVar aggregate classification (germline): Uncertain significance (1 of 4 stars; one submission).

Submission:

GeneDx
Classification: Uncertain significance. Last evaluated: 2022-02-14. Review status: criteria provided, single submitter. Criteria: GeneDx Variant Classification Process June 2021. Collection method: clinical testing. Allele origin: germline. Affected: yes.
Comment: Not observed at significant frequency in large population cohorts (gnomAD); In silico analysis supports that this missense variant has a deleterious effect on protein structure/function; Has not been previously published as pathogenic or benign to our knowledge

NM_001080449.3(DNA2):c.3122A>G (p.Asp1041Gly)

Genes: DNA2 (DNA replication helicase/nuclease 2; minus strand), LOC132089842 (Neanderthal introgressed variant-containing enhancer experimental_16635; plus strand). Cytogenetic location: 10q21.3.
Variant type: single nucleotide variant.
Coding change: c.3122A>G on transcript NM_001080449.3 (MANE Select); coding-DNA position 3122, A replaced by G.
Protein change: p.Asp1041Gly; replaces aspartic acid 1041 with glycine.
Molecular consequence: missense variant. On other transcripts: non-coding transcript variant (1).
Genome position (GRCh38, 1-based): chr10:68,415,100, T>C on the plus strand (A>G on the coding strand, the complement: DNA2 is on the minus strand). VCF-style: chr10-68415100-T-C. GRCh37 (hg19) VCF-style: chr10-70174857-T-C.
Other names: short protein forms D1041G.
Identifiers: ClinVar variation 1700971 (VCV001700971.2), dbSNP rs2133348213, ClinGen allele CA376837407.